The following is an entry in ClinVar:

NM_000492.4(CFTR):c.3883_3886del (p.Ile1295fs)

Gene: CFTR (CF transmembrane conductance regulator; plus strand). Cytogenetic location: 7q31.2.
Variant type: Microsatellite.
Coding change: c.3883_3886del on transcript NM_000492.4 (MANE Select); coding-DNA positions 3883 to 3886, 4 bases deleted (ATTT; older notation c.3883_3886delATTT).
Protein change: p.Ile1295fs; shifts the reading frame from isoleucine 1295.
Molecular consequence: frameshift variant.
Genome position (GRCh38, 1-based): chr7:117,652,851-117,652,854, ATTT deleted; deleting any 4 consecutive bases within chr7:117,652,846-117,652,854 gives the same sequence; the c. name uses the placement nearest the transcript's 3' end. VCF-style (leftmost placement, unchanged base first): chr7-117652845-GTATT-G. GRCh37 (hg19) VCF-style: chr7-117292899-GTATT-G.
Other names: 4010del4; c.3882_3885delTATT (NM_000492.3); c.3883_3886del (NM_000492.3); c.3883_3886delATTT (NM_000492.4); short protein forms I1295fs.
Identifiers: ClinVar variation 53838 (VCV000053838.19), dbSNP rs387906373, ClinGen allele CA327326.

ClinVar aggregate classification (germline): Pathogenic. Review status: reviewed by expert panel (3 of 4 stars). 11 submissions from 11 submitters: Pathogenic (1). 10 of the submissions do not count toward it. Last evaluated 2017-03-17.

Conditions:
CFTR-related disorder (CFTR-RD). Also called: CFTR-related condition; CFTR-related disorders. Identifiers: MedGen C5924204, MONDO:7770004.
Bronchiectasis with or without elevated sweat chloride 1 (BESC1). Also called: Cystic Fibrosis-Like Syndrome. Identifiers: Orphanet 60033, MedGen C2749757, MONDO:0008887, OMIM 211400.
Congenital bilateral aplasia of vas deferens from CFTR mutation (CBAVD). Identifiers: Orphanet 48, MedGen C0403814, MONDO:0010178, OMIM 277180. Disease mechanism: loss of function.
Cystic fibrosis (CF). Also called: MUCOVISCIDOSIS. Identifiers: Orphanet 586, MedGen C0010674, MONDO:0009061, OMIM 219700. Disease mechanism: loss of function.
Hereditary pancreatitis (PCTT). Also called: PRSS1-Related Hereditary Pancreatitis; Hereditary chronic pancreatitis. Identifiers: Orphanet 676, MedGen C0238339, MONDO:0008185, OMIM 167800.

Submissions (11):

CFTR2
Classification: Pathogenic for Cystic fibrosis. Last evaluated: 2017-03-17. Review status: reviewed by expert panel. Criteria: Sosnay PR et al. (Nat Genet 2013). Collection method: research. Allele origin: germline. Affected: yes. Study: CFTR2.

Women's Health and Genetics/Laboratory Corporation of America, LabCorp
Classification: Pathogenic for Cystic fibrosis. Last evaluated: 2025-04-23. Review status: criteria provided, single submitter. Criteria: LabCorp Variant Classification Summary - May 2015. Collection method: clinical testing. Allele origin: germline. Not counted in ClinVar's aggregate classification.
Comment: Variant summary: CFTR c.3883_3886delATTT (p.Ile1295PhefsX32) results in a premature termination codon, predicted to cause a truncation of the encoded protein or absence of the protein due to nonsense mediated decay, which are commonly known mechanisms for disease. The variant was absent in 247040 control chromosomes (gnomAD). c.3883_3886delATTT has been observed in at least an individual affected with Cystic Fibrosis (example: Shoshani_1994). ClinVar contains an entry for this variant (Variation ID: 53838). Based on the evidence outlined above, the variant was classified as pathogenic.

Quest Diagnostics Nichols Institute San Juan Capistrano
Classification: Pathogenic. Last evaluated: 2024-06-11. Review status: criteria provided, single submitter. Criteria: Quest Diagnostics criteria. Collection method: clinical testing. Allele origin: unknown. Not counted in ClinVar's aggregate classification.
Comment: The CFTR c.3883_3886del (p.Ile1295Phefs*32) variant alters the translational reading frame of the CFTR mRNA and causes the premature termination of CFTR protein synthesis. This variant has been reported in the published literature in numerous individuals with classic CF (PMIDs: 35858753 (2022), 34782259 (2022), 32539862 (2020), 28546993 (2017), 7520798 (1994)). This variant has not been reported in large, multi-ethnic general populations (Genome Aggregation Database). Based on the available information, this variant is classified as pathogenic.

Fulgent Genetics
Classification: Pathogenic for Hereditary pancreatitis; Bronchiectasis with or without elevated sweat chloride 1; Cystic fibrosis; Congenital bilateral aplasia of vas deferens from CFTR mutation. Last evaluated: 2024-06-06. Review status: criteria provided, single submitter. Criteria: ACMG Guidelines, 2015. Collection method: clinical testing. Allele origin: germline. Not counted in ClinVar's aggregate classification.

Natera, Inc.
Classification: Pathogenic for CFTR-related disorders. Last evaluated: 2024-05-30. Review status: criteria provided, single submitter. Criteria: Natera Variant Classification Schema (03/2026). Collection method: clinical testing. Allele origin: germline. Not counted in ClinVar's aggregate classification.
Comment: The c.3883_3886delATTT variant in CFTR is a frameshift variant predicted to shift the reading frame beginning at codon 1295 and leads to a stop codon 32 codons downstream. This variant is expected to result in nonsense mediated decay, truncation, or a dysfunctional protein product. This variant is rare in the general population with a frequency below the threshold expected for the associated phenotype(s). This variant has been observed in one or more individuals affected with the associated recessive disease, as either homozygous or compound heterozygous with a second variant (PMID: 20797923). Given the available evidence, this variant is classified as Pathogenic.

Labcorp Genetics (formerly Invitae), Labcorp
Classification: Pathogenic for Cystic fibrosis. Last evaluated: 2024-01-08. Review status: criteria provided, single submitter. Criteria: Invitae Variant Classification Sherloc (09022015). Collection method: clinical testing. Allele origin: germline. Not counted in ClinVar's aggregate classification.
Comment: This sequence change creates a premature translational stop signal (p.Ile1295Phefs*32) in the CFTR gene. It is expected to result in an absent or disrupted protein product. Loss-of-function variants in CFTR are known to be pathogenic (PMID: 1695717, 7691345, 9725922). This variant is not present in population databases (gnomAD no frequency). This premature translational stop signal has been observed in individual(s) with cystic fibrosis (PMID: 28546993). ClinVar contains an entry for this variant (Variation ID: 53838). For these reasons, this variant has been classified as Pathogenic.

Baylor Genetics
Classification: Pathogenic for Bronchiectasis with or without elevated sweat chloride 1. Last evaluated: 2023-10-10. Review status: criteria provided, single submitter. Criteria: ACMG Guidelines, 2015. Collection method: clinical testing. Allele origin: unknown. Not counted in ClinVar's aggregate classification.

Institute of Human Genetics, University of Leipzig Medical Center
Classification: Pathogenic for Cystic fibrosis. Last evaluated: 2022-09-05. Review status: criteria provided, single submitter. Criteria: ACMG Guidelines, 2015. Collection method: curation. Allele origin: unknown. Affected: yes. Observed: 1 variant allele. Not counted in ClinVar's aggregate classification.
Comment: The variant was classified in the context of a project re-classifying variants in the German Cystic Fibrosis Registry (Muko.e.V.). Criteria applied: PVS1, PM2_SUP, PM3_STR

Ambry Genetics
Classification: Pathogenic for Cystic fibrosis. Last evaluated: 2020-08-13. Review status: criteria provided, single submitter. Criteria: Ambry Variant Classification Scheme 2023. Collection method: clinical testing. Allele origin: germline. Not counted in ClinVar's aggregate classification.
Comment: The c.3883_3886delATTT pathogenic mutation, located in coding exon 24 of the CFTR gene, results from a deletion of 4 nucleotides at nucleotide positions 3883 to 3886, causing a translational frameshift with a predicted alternate stop codon (p.I1295Ffs*32). This mutation has subsequently also been reported in additional patients with CF with second mutations identified (Zomer-van Ommen DD et al. J. Cyst. Fibros. 2016 Mar;15(2):158-62; Behar DM et al. Mol Genet Genomic Med. 2017 May;5(3):223-236; Liu K et al. Orphanet J Rare Dis. 2020 Jun;15(1):150). In addition to the clinical data presented in the literature, this alteration is expected to result in loss of function by premature protein truncation or nonsense-mediated mRNA decay. As such, this alteration is interpreted as a disease-causing mutation.

CFTR-France
Classification: Pathogenic for cystic fibrosis. Last evaluated: 2018-01-29. Review status: criteria provided, single submitter. Criteria: Claustres M et al. (Hum Mutat 2017). Collection method: curation. Allele origin: germline. Affected: yes. Not counted in ClinVar's aggregate classification.

OMIM
Classification: Pathogenic for CYSTIC FIBROSIS. Last evaluated: 1994-04-01. Review status: no assertion criteria provided. Collection method: literature only. Allele origin: germline. Not counted in ClinVar's aggregate classification.

Literature cited by the submitters: PubMed 7520798 (cited by 4 submitters); PubMed 34782259 (cited by Quest Diagnostics Nichols Institute San Juan Capistrano); PubMed 35858753 (cited by Quest Diagnostics Nichols Institute San Juan Capistrano); PubMed 32539862 (cited by Quest Diagnostics Nichols Institute San Juan Capistrano and Ambry Genetics); PubMed 28546993 (cited by 3 submitters); PubMed 20797923 (cited by Natera, Inc.); PubMed 1695717 (cited by Labcorp Genetics (formerly Invitae), Labcorp); PubMed 7691345 (cited by Labcorp Genetics (formerly Invitae), Labcorp); PubMed 9725922 (cited by Labcorp Genetics (formerly Invitae), Labcorp); PubMed 26255232 (cited by Ambry Genetics).